The following is an entry in ClinVar:

ClinVar aggregate classification (germline): Uncertain significance. Review status: reviewed by expert panel (3 of 4 stars). 3 submissions from 3 submitters: Uncertain significance (1). 2 of the submissions do not count toward it. Last evaluated 2024-10-29.

Conditions:
Inborn genetic diseases. Identifiers: MedGen C0950123, MeSH D030342.
Hereditary thrombocytopenia and hematological cancer predisposition syndrome associated with RUNX1. Also called: Familial Platelet Disorder with Propensity to Acute Myelogenous Leukemia; Familial thrombocytopenia with propensity to acute myelogenous leukemia; PLATELET DISORDER, ASPIRIN-LIKE; RUNX1 Familial Platelet Disorder with Associated Myeloid Malignancies. Identifiers: Orphanet 71290, MedGen C1832388, MeSH C563324, MONDO:0100083, OMIM 601399.
Hereditary thrombocytopenia and hematologic cancer predisposition syndrome. Identifiers: Orphanet 71290, MedGen CN281654, MONDO:0011071.

Submissions (3):

ClinGen Myeloid Malignancy Variant Curation Expert Panel
Classification: Uncertain significance for Hereditary thrombocytopenia and hematologic cancer predisposition syndrome. Last evaluated: 2024-10-29. Review status: reviewed by expert panel. Criteria: ClinGen MyeloMalig ACMG Specifications v2. Collection method: curation. Allele origin: germline. Inheritance: Autosomal dominant inheritance.
Comment: NM_001754.5(RUNX1):c.658T>G (p.Ser220Ala) is a missense variant which is completely absent from all population databases with at least 20x coverage for RUNX1 (PM2_Supporting). In summary, the clinical significance of this variant is uncertain. ACMG/AMP criteria applied, as specified by the Myeloid Malignancy Variant Curation Expert Panel for RUNX1: PM2_supporting.

Ambry Genetics
Classification: Uncertain significance for Inborn genetic diseases. Last evaluated: 2026-02-23. Review status: criteria provided, single submitter. Criteria: Ambry Variant Classification Scheme 2023. Collection method: clinical testing. Allele origin: germline. Not counted in ClinVar's aggregate classification.
Comment: The p.S220A variant (also known as c.658T>G), located in coding exon 6 of the RUNX1 gene, results from a T to G substitution at nucleotide position 658. The serine at codon 220 is replaced by alanine, an amino acid with similar properties. This amino acid position is conserved. In addition, the in silico prediction for this alteration is inconclusive. Based on the available evidence, the clinical significance of this variant remains unclear.

Labcorp Genetics (formerly Invitae), Labcorp
Classification: Uncertain significance for Hereditary thrombocytopenia and hematological cancer predisposition syndrome associated with RUNX1. Last evaluated: 2023-07-13. Review status: criteria provided, single submitter. Criteria: Invitae Variant Classification Sherloc (09022015). Collection method: clinical testing. Allele origin: germline. Not counted in ClinVar's aggregate classification.
Comment: This sequence change replaces serine, which is neutral and polar, with alanine, which is neutral and non-polar, at codon 220 of the RUNX1 protein (p.Ser220Ala). This variant is not present in population databases (gnomAD no frequency). This variant has not been reported in the literature in individuals affected with RUNX1-related conditions. Advanced modeling of protein sequence and biophysical properties (such as structural, functional, and spatial information, amino acid conservation, physicochemical variation, residue mobility, and thermodynamic stability) has been performed at Invitae for this missense variant, however the output from this modeling did not meet the statistical confidence thresholds required to predict the impact of this variant on RUNX1 protein function. In summary, the available evidence is currently insufficient to determine the role of this variant in disease. Therefore, it has been classified as a Variant of Uncertain Significance.

NM_001754.5(RUNX1):c.658T>G (p.Ser220Ala)

Gene: RUNX1 (RUNX family transcription factor 1; minus strand). Cytogenetic location: 21q22.12.
Variant type: single nucleotide variant.
Coding change: c.658T>G on transcript NM_001754.5 (MANE Select); coding-DNA position 658, T replaced by G.
Protein change: p.Ser220Ala; replaces serine 220 with alanine.
Molecular consequence: missense variant.
Genome position (GRCh38, 1-based): chr21:34,834,557, A>C on the plus strand (T>G on the coding strand, the complement: RUNX1 is on the minus strand). VCF-style: chr21-34834557-A-C. GRCh37 (hg19) VCF-style: chr21-36206854-A-C.
Other names: NM_001754.5(RUNX1):c.658T>G; p.Ser220Ala; c.577T>G, p.Ser193Ala (NM_001001890.3, NM_001122607.2); short protein forms S220A, S193A.
Identifiers: ClinVar variation 2732592 (VCV002732592.5), dbSNP rs2146076657, ClinGen allele CA410207000.
Genomic context (GRCh38, chr21:34,834,557, plus strand): 5'-GGCTGACCCTCATGGCTGTGCGCCGCAGCTGCTCCAGTTCACTGAGCCGCTCGGAAAAGG[A>C]CAAGCTCCCGGGCTTGGTCTGATCATCTAGTTTCTGCCGATGTCCTATTGTGGGGAGCAG-3'
Protein context (NP_001745.2, residues 210-230): LDDQTKPGSL[Ser220Ala]FSERLSELEQ